The following is an entry in ClinVar:

NM_203395.3(IYD):c.687+1282G>A

Gene: IYD (iodotyrosine deiodinase; plus strand). Cytogenetic location: 6q25.1.
Variant type: single nucleotide variant.
Coding change: c.687+1282G>A on transcript NM_203395.3 (MANE Select); 1282 bases into the intron after coding-DNA position 687, G replaced by A.
Molecular consequence: intron variant. On other transcripts: missense variant (1), non-coding transcript variant (1).
Genome position (GRCh38, 1-based): chr6:150,395,537, G>A. VCF-style: chr6-150395537-G-A. GRCh37 (hg19) VCF-style: chr6-150716673-G-A.
Other names: c.770G>A, p.Cys257Tyr (NM_001164694.2); c.*4+83G>A (NM_001164695.2); c.441+1282G>A (NM_001318495.2); short protein forms C257Y.
Identifiers: ClinVar variation 3043698 (VCV003043698.2), dbSNP rs115446362, ClinGen allele CA4047109.

ClinVar aggregate classification (germline): Benign (0 of 4 stars; one submission).

Conditions:
IYD-related disorder. Also called: IYD-related condition.

Allele frequency attached by ClinVar (database versions not stated): gnomAD exomes 0.00097; ExAC 0.00386; gnomAD 0.00959; TOPMed 0.01100; ESP Exome Variant Server 0.01161; 1000 Genomes Project 0.01298; 1000 Genomes Project 30x 0.01374.
gnomAD v4.1: 2,856 of 1,537,312 alleles (0.19%); highest among the groups gnomAD compares: African/African-American, 3.4%; 56 homozygotes.

Submission:

PreventionGenetics, part of Exact Sciences
Classification: Benign for IYD-related condition. Last evaluated: 2020-01-06. Review status: no assertion criteria provided. Collection method: clinical testing. Allele origin: germline.
Comment: This variant is classified as benign based on ACMG/AMP sequence variant interpretation guidelines (Richards et al. 2015 PMID: 25741868, with internal and published modifications).